The following is an entry in ClinVar:

ClinVar aggregate classification (germline): Likely benign. Review status: criteria provided, multiple submitters, no conflicts (2 of 4 stars). 5 submissions from 5 submitters: Likely benign (4). 1 of the submissions does not count toward it. Last evaluated 2026-01-16.

Conditions:
Hereditary cancer-predisposing syndrome. Also called: Neoplastic Syndromes, Hereditary; Hereditary neoplastic syndrome; Hereditary Cancer Syndrome; Tumor predisposition. Identifiers: Orphanet 140162, MedGen C0027672, MeSH D009386, MONDO:0015356.
POLD1-related disorder. Also called: POLD1-related disorders; POLD1-related condition.
POLD1-related polyposis and colorectal cancer syndrome (CRCS10). Also called: Colorectal cancer, susceptibility to, 10; Colorectal cancer 10; COLORECTAL CANCER, SUSCEPTIBILITY TO, ON CHROMOSOME 19q. Identifiers: Orphanet 220460, MedGen C2675481, MONDO:0012953, OMIM 612591.
Immunodeficiency 120. Identifiers: MedGen C5935622, MONDO:0970994, OMIM 620836.
Mandibular hypoplasia-deafness-progeroid syndrome. Also called: Mandibular hypoplasia, deafness, progeroid features, and lipodystrophy syndrome. Identifiers: Orphanet 363649, MedGen C3715192, MONDO:0014157, OMIM 615381.

Allele frequency attached by ClinVar (database versions not stated): gnomAD 0.00001; gnomAD exomes 0.00001; TOPMed 0.00002.
gnomAD v4.1: 71 of 1,561,518 alleles (0.0045%); highest among the groups gnomAD compares: Non-Finnish European, 0.0059%; no homozygotes.

Submissions (5):

Labcorp Genetics (formerly Invitae), Labcorp
Classification: Likely benign for POLD1-related polyposis and colorectal cancer syndrome. Last evaluated: 2026-01-16. Review status: criteria provided, single submitter. Criteria: Invitae Variant Classification Sherloc (09022015). Collection method: clinical testing. Allele origin: germline.

Center for Genomic Medicine, Rigshospitalet, Copenhagen University Hospital
Classification: Likely benign. Last evaluated: 2025-03-04. Review status: criteria provided, single submitter. Criteria: ACMG Guidelines, 2015. Collection method: clinical testing. Allele origin: germline.

Department of Pathology and Laboratory Medicine, Sinai Health System
Classification: Likely benign for POLD1-related polyposis and colorectal cancer syndrome; Mandibular hypoplasia-deafness-progeroid syndrome; Immunodeficiency 120. Last evaluated: 2024-12-12. Review status: criteria provided, single submitter. Criteria: ACMG Guidelines, 2015. Collection method: clinical testing. Allele origin: germline.

Ambry Genetics
Classification: Likely benign for Hereditary cancer-predisposing syndrome. Last evaluated: 2015-07-27. Review status: criteria provided, single submitter. Criteria: Ambry Variant Classification Scheme 2023. Collection method: clinical testing. Allele origin: germline.

PreventionGenetics, part of Exact Sciences
Classification: Likely benign for POLD1-related condition. Last evaluated: 2021-12-17. Review status: no assertion criteria provided. Collection method: clinical testing. Allele origin: germline. Not counted in ClinVar's aggregate classification.
Comment: This variant is classified as likely benign based on ACMG/AMP sequence variant interpretation guidelines (Richards et al. 2015 PMID: 25741868, with internal and published modifications).

NM_002691.4(POLD1):c.162G>A (p.Glu54=)

Gene: POLD1 (DNA polymerase delta 1, catalytic subunit; plus strand). Cytogenetic location: 19q13.33.
Variant type: single nucleotide variant.
Coding change: c.162G>A on transcript NM_002691.4 (MANE Select); coding-DNA position 162, G replaced by A.
Protein change: p.Glu54=; no amino-acid change (glutamic acid 54 retained).
Molecular consequence: synonymous variant. On other transcripts: non-coding transcript variant (1).
Genome position (GRCh38, 1-based): chr19:50,399,013, G>A. VCF-style: chr19-50399013-G-A. GRCh37 (hg19) VCF-style: chr19-50902270-G-A.
Other names: c.162G>A, p.Glu54= (NM_001256849.1, NM_001308632.1).
Identifiers: ClinVar variation 414799 (VCV000414799.25), dbSNP rs977829339, ClinGen allele CA16616105.